The following is an entry in ClinVar:

NM_000153.4(GALC):c.173del (p.Ile58fs)

Genes: GALC (galactosylceramidase; minus strand), LOC130056217 (ATAC-STARR-seq lymphoblastoid silent region 5988; plus strand). Cytogenetic location: 14q31.3.
Variant type: Deletion.
Coding change: c.173del on transcript NM_000153.4 (MANE Select); coding-DNA position 173, one base deleted (T; older notation c.173delT).
Protein change: p.Ile58fs; shifts the reading frame from isoleucine 58.
Molecular consequence: frameshift variant. On other transcripts: intron variant (1).
Genome position (GRCh38, 1-based): chr14:87,992,992, A deleted on the plus strand (T on the coding strand, the reverse complement: GALC is on the minus strand). VCF-style (leftmost placement, unchanged base first): chr14-87992991-GA-G. GRCh37 (hg19) VCF-style: chr14-88459335-GA-G.
Other names: c.173del, p.Ile58fs (NM_001201401.2); c.117+391del (NM_001201402.2); short protein forms I58fs.
Identifiers: ClinVar variation 422669 (VCV000422669.2), dbSNP rs1064795927, ClinGen allele CA16619889.

ClinVar aggregate classification (germline): Likely pathogenic (1 of 4 stars; one submission).

Allele frequency attached by ClinVar (database versions not stated): gnomAD exomes 0.00001.

Submission:

GeneDx
Classification: Likely pathogenic. Last evaluated: 2016-11-15. Review status: criteria provided, single submitter. Criteria: GeneDx Variant Classification (06012015). Collection method: clinical testing. Allele origin: germline. Affected: yes.
Comment: The c.173delT variant in the GALC gene has not been reported previously as a pathogenic variant nor as a benign variant, to our knowledge. This variant causes a frameshift starting with codon Isoleucine 58, changes this amino acid to a Threonine residue, and creates a premature Stop codon at position 14 of the new reading frame, denoted p.Ile58ThrfsX14. This variant is predicted to cause loss of normal protein function either through protein truncation or nonsense-mediated mRNA decay. The c.173delT variant was not observed in the Exome Aggregation Consortium (ExAC) data set, indicating it is not a common benign variant. The c.173delT variant is a strong candidate for a pathogenic variant, however the possibility it may be a rare benign variant cannot be excluded.